The following is an entry in ClinVar:

NM_024675.4(PALB2):c.2448C>G (p.Phe816Leu)

Gene: PALB2 (partner and localizer of BRCA2; minus strand). Cytogenetic location: 16p12.2.
Variant type: single nucleotide variant.
Coding change: c.2448C>G on transcript NM_024675.4 (MANE Select); coding-DNA position 2448, C replaced by G.
Protein change: p.Phe816Leu; replaces phenylalanine 816 with leucine.
Molecular consequence: missense variant.
Genome position (GRCh38, 1-based): chr16:23,629,706, G>C on the plus strand (C>G on the coding strand, the complement: PALB2 is on the minus strand). VCF-style: chr16-23629706-G-C. GRCh37 (hg19) VCF-style: chr16-23641027-G-C.
Other names: short protein forms F816L.
Identifiers: ClinVar variation 232620 (VCV000232620.20), dbSNP rs876659879, ClinGen allele CA10579970.
Genomic context (GRCh38, chr16:23,629,706, plus strand): 5'-GACGGAATGTTTATGCAGCTCCTGGCATGTGTTTCTACAGAGCTGATTTTCTTTAAAAGT[G>C]AATGACTCAATGGGTGGAGGTGTTCCTGGCGGGACAGAGTCACAGTCACAGGTAGGTTGT-3'
Protein context (NP_078951.2, residues 806-826): PPGTPPPIES[Phe816Leu]TFKENQLCRN

ClinVar aggregate classification (germline): Conflicting classifications of pathogenicity. Review status: criteria provided, conflicting classifications (1 of 4 stars). 4 submissions from 4 submitters: Uncertain significance (2); Benign (1); Likely benign (1). Last evaluated 2025-07-16.

Conditions:
Hereditary cancer-predisposing syndrome. Also called: Neoplastic Syndromes, Hereditary; Tumor predisposition; Hereditary Cancer Syndrome; Hereditary neoplastic syndrome. Identifiers: Orphanet 140162, MedGen C0027672, MeSH D009386, MONDO:0015356.
Familial cancer of breast. Also called: BREAST CANCER, FAMILIAL; hereditary breast carcinoma; Hereditary breast cancer. Identifiers: Orphanet 227535, MedGen C0346153, MONDO:0016419, OMIM 114480. Disease mechanism: loss of function.

gnomAD v4.1: 4 of 1,614,224 alleles (0.00025%); highest among the groups gnomAD compares: Non-Finnish European, 0.00017%; no homozygotes.

Submissions (4):

Labcorp Genetics (formerly Invitae), Labcorp
Classification: Uncertain significance for Familial cancer of breast. Last evaluated: 2025-07-16. Review status: criteria provided, single submitter. Criteria: Invitae Variant Classification Sherloc (09022015). Collection method: clinical testing. Allele origin: germline.
Comment: This sequence change replaces phenylalanine, which is neutral and non-polar, with leucine, which is neutral and non-polar, at codon 816 of the PALB2 protein (p.Phe816Leu). This variant is not present in population databases (gnomAD no frequency). This variant has not been reported in the literature in individuals affected with PALB2-related conditions. ClinVar contains an entry for this variant (Variation ID: 232620). Invitae Evidence Modeling of protein sequence and biophysical properties (such as structural, functional, and spatial information, amino acid conservation, physicochemical variation, residue mobility, and thermodynamic stability) indicates that this missense variant is not expected to disrupt PALB2 protein function with a negative predictive value of 80%. In summary, the available evidence is currently insufficient to determine the role of this variant in disease. Therefore, it has been classified as a Variant of Uncertain Significance.

Ambry Genetics
Classification: Likely benign for Hereditary cancer-predisposing syndrome. Last evaluated: 2024-07-25. Review status: criteria provided, single submitter. Criteria: Ambry Variant Classification Scheme 2023. Collection method: clinical testing. Allele origin: germline.

Baylor Genetics
Classification: Uncertain significance for Familial cancer of breast. Last evaluated: 2023-09-07. Review status: criteria provided, single submitter. Criteria: ACMG Guidelines, 2015. Collection method: clinical testing. Allele origin: unknown.

Mendelics
Classification: Benign. Last evaluated: 2022-05-04. Review status: criteria provided, single submitter. Criteria: Mendelics Assertion Criteria 2019. Collection method: clinical testing. Allele origin: germline.